The following is an entry in ClinVar:

ClinVar aggregate classification (germline): Uncertain significance (1 of 4 stars; one submission).

Submission:

Labcorp Genetics (formerly Invitae), Labcorp
Classification: Uncertain significance. Last evaluated: 2024-09-03. Review status: criteria provided, single submitter. Criteria: Invitae Variant Classification Sherloc (09022015). Collection method: clinical testing. Allele origin: germline.
Comment: This sequence change replaces aspartic acid, which is acidic and polar, with glycine, which is neutral and non-polar, at codon 226 of the ARHGEF1 protein (p.Asp226Gly). This variant is not present in population databases (gnomAD no frequency). This variant has not been reported in the literature in individuals affected with ARHGEF1-related conditions. An algorithm developed to predict the effect of missense changes on protein structure and function (PolyPhen-2) suggests that this variant is likely to be disruptive. In summary, the available evidence is currently insufficient to determine the role of this variant in disease. Therefore, it has been classified as a Variant of Uncertain Significance.

NM_004706.4(ARHGEF1):c.632A>G (p.Asp211Gly)

Gene: ARHGEF1 (Rho guanine nucleotide exchange factor 1; plus strand). Cytogenetic location: 19q13.2.
Variant type: single nucleotide variant.
Coding change: c.632A>G on transcript NM_004706.4 (MANE Select); coding-DNA position 632, A replaced by G.
Protein change: p.Asp211Gly; replaces aspartic acid 211 with glycine.
Molecular consequence: missense variant. On other transcripts: non-coding transcript variant (2).
Genome position (GRCh38, 1-based): chr19:41,893,291, A>G. VCF-style: chr19-41893291-A-G. GRCh37 (hg19) VCF-style: chr19-42397362-A-G.
Other names: c.632A>G, p.Asp211Gly (NM_001396000.1, NM_001396003.1, NM_001396006.1); c.533A>G, p.Asp178Gly (NM_001396002.1, NM_001396004.1, NM_198977.2); c.677A>G, p.Asp226Gly (NM_199002.2); short protein forms D178G, D211G, D226G.
Identifiers: ClinVar variation 3663720 (VCV003663720.2).
Genomic context (GRCh38, chr19:41,893,291, plus strand): 5'-AGGCCTAGCAAATATGTCACAAACATCTCTCTTCCTCCTACAGACATACCATCTCTACCG[A>G]CGAAGAAAAGAGGTGAGGGGGGCAGGGGAGGCGTGCGGCCTCCTGGGTTTGAGGGAGGAG-3'
Protein context (NP_004697.2, residues 201-221): LEEMQHTIST[Asp211Gly]EEKSAAVVNA